The following is an entry in ClinVar:

NC_000006.11:g.(?_107475823)_(107476001_?)del

Gene: PDSS2 (decaprenyl diphosphate synthase subunit 2; minus strand). Cytogenetic location: 6q21.
Variant type: Deletion.
Identifiers: ClinVar variation 2426548 (VCV002426548.3).

ClinVar aggregate classification (germline): Uncertain significance (1 of 4 stars; one submission).

Submission:

Labcorp Genetics (formerly Invitae), Labcorp
Classification: Uncertain significance. Last evaluated: 2022-04-19. Review status: criteria provided, single submitter. Criteria: Invitae Variant Classification Sherloc (09022015). Collection method: clinical testing. Allele origin: germline.
Comment: In summary, the available evidence is currently insufficient to determine the role of this variant in disease. Therefore, it has been classified as a Variant of Uncertain Significance. Experimental studies and prediction algorithms are not available or were not evaluated, and the functional significance of this variant is currently unknown. This variant has not been reported in the literature in individuals affected with PDSS2-related conditions. This variant is a gross deletion of the genomic region encompassing exon(s) 8 of the PDSS2 gene, which includes the termination codon. This deletion extends beyond the assayed region for this gene and therefore may encompass additional genes. While this deletion is not anticipated to lead to nonsense mediated decay, it is expected to alter mRNA translation or result in a truncated protein product.